The following is an entry in ClinVar:

ClinVar aggregate classification (germline): Uncertain significance. Review status: criteria provided, multiple submitters, no conflicts (2 of 4 stars). 2 submissions from 2 submitters: Uncertain significance (2). Last evaluated 2025-03-17.

Conditions:
Inborn genetic diseases. Identifiers: MedGen C0950123, MeSH D030342.

Allele frequency attached by ClinVar (database versions not stated): ExAC 0.00002; 1000 Genomes Project 30x 0.00016; 1000 Genomes Project 0.00020.
gnomAD v4.1: 6 of 1,614,104 alleles (0.00037%); highest among the groups gnomAD compares: Admixed American, 0.0017%; no homozygotes.

Submissions (2):

Labcorp Genetics (formerly Invitae), Labcorp
Classification: Uncertain significance. Last evaluated: 2025-03-17. Review status: criteria provided, single submitter. Criteria: Invitae Variant Classification Sherloc (09022015). Collection method: clinical testing. Allele origin: germline.
Comment: This sequence change replaces threonine, which is neutral and polar, with methionine, which is neutral and non-polar, at codon 900 of the CNGB1 protein (p.Thr900Met). This variant is present in population databases (rs558302615, gnomAD 0.006%). This variant has not been reported in the literature in individuals affected with CNGB1-related conditions. ClinVar contains an entry for this variant (Variation ID: 1045181). Invitae Evidence Modeling of protein sequence and biophysical properties (such as structural, functional, and spatial information, amino acid conservation, physicochemical variation, residue mobility, and thermodynamic stability) indicates that this missense variant is not expected to disrupt CNGB1 protein function with a negative predictive value of 80%. In summary, the available evidence is currently insufficient to determine the role of this variant in disease. Therefore, it has been classified as a Variant of Uncertain Significance.

Ambry Genetics
Classification: Uncertain significance for Inborn genetic diseases. Last evaluated: 2024-01-12. Review status: criteria provided, single submitter. Criteria: Ambry Variant Classification Scheme 2023. Collection method: clinical testing. Allele origin: germline.

NM_001297.5(CNGB1):c.2699C>T (p.Thr900Met)

Gene: CNGB1 (cyclic nucleotide gated channel subunit beta 1; minus strand). Cytogenetic location: 16q21.
Variant type: single nucleotide variant.
Coding change: c.2699C>T on transcript NM_001297.5 (MANE Select); coding-DNA position 2699, C replaced by T.
Protein change: p.Thr900Met; replaces threonine 900 with methionine.
Molecular consequence: missense variant.
Genome position (GRCh38, 1-based): chr16:57,903,917, G>A on the plus strand (C>T on the coding strand, the complement: CNGB1 is on the minus strand). VCF-style: chr16-57903917-G-A. GRCh37 (hg19) VCF-style: chr16-57937821-G-A.
Other names: c.2699C>T (NM_001297.4); c.2681C>T, p.Thr894Met (NM_001286130.2); short protein forms T900M, T894M.
Identifiers: ClinVar variation 1045181 (VCV001045181.10), dbSNP rs558302615, ClinGen allele CA8082856.